The following is an entry in ClinVar:

ClinVar aggregate classification (germline): Uncertain significance. Review status: criteria provided, multiple submitters, no conflicts (2 of 4 stars). 2 submissions from 2 submitters: Uncertain significance (2). Last evaluated 2024-09-10.

Allele frequency attached by ClinVar (database versions not stated): gnomAD 0.00001; gnomAD exomes 0.00002; TOPMed 0.00003.
gnomAD v4.1: 27 of 1,613,606 alleles (0.0017%); highest among the groups gnomAD compares: Non-Finnish European, 0.0022%; no homozygotes.

Submissions (2):

Ambry Genetics
Classification: Uncertain significance. Last evaluated: 2024-09-10. Review status: criteria provided, single submitter. Criteria: Ambry Variant Classification Scheme 2023. Collection method: clinical testing. Allele origin: germline.

Labcorp Genetics (formerly Invitae), Labcorp
Classification: Uncertain significance. Last evaluated: 2022-07-19. Review status: criteria provided, single submitter. Criteria: Invitae Variant Classification Sherloc (09022015). Collection method: clinical testing. Allele origin: germline.
Comment: This sequence change replaces arginine, which is basic and polar, with cysteine, which is neutral and slightly polar, at codon 1423 of the CCDC88A protein (p.Arg1423Cys). This variant is not present in population databases (gnomAD no frequency). This variant has not been reported in the literature in individuals affected with CCDC88A-related conditions. Algorithms developed to predict the effect of missense changes on protein structure and function are either unavailable or do not agree on the potential impact of this missense change (SIFT: "Deleterious"; PolyPhen-2: "Possibly Damaging"; Align-GVGD: "Class C0"). In summary, the available evidence is currently insufficient to determine the role of this variant in disease. Therefore, it has been classified as a Variant of Uncertain Significance.

NM_001365480.1(CCDC88A):c.4270C>T (p.Arg1424Cys)

Gene: CCDC88A (coiled-coil domain containing 88A; minus strand). Cytogenetic location: 2p16.1.
Variant type: single nucleotide variant.
Coding change: c.4270C>T on transcript NM_001365480.1 (MANE Select); coding-DNA position 4270, C replaced by T.
Protein change: p.Arg1424Cys; replaces arginine 1424 with cysteine.
Molecular consequence: missense variant.
Genome position (GRCh38, 1-based): chr2:55,308,926, G>A on the plus strand (C>T on the coding strand, the complement: CCDC88A is on the minus strand). VCF-style: chr2-55308926-G-A. GRCh37 (hg19) VCF-style: chr2-55536062-G-A.
Other names: c.4267C>T, p.Arg1423Cys (NM_001135597.2, NM_001254943.2); c.4270C>T, p.Arg1424Cys (NM_018084.5); c.4267C>T (NM_001135597.1); short protein forms R1424C, R1423C.
Identifiers: ClinVar variation 2046927 (VCV002046927.2), dbSNP rs1011659365, ClinGen allele CA47587406.